The following is an entry in ClinVar:

NM_033409.4(SLC52A3):c.-10A>C

Gene: SLC52A3 (solute carrier family 52 member 3; minus strand). Cytogenetic location: 20p13.
Variant type: single nucleotide variant.
Coding change: c.-10A>C on transcript NM_033409.4 (MANE Select); 10 bases upstream of the start codon, A replaced by C.
Molecular consequence: 5 prime UTR variant.
Genome position (GRCh38, 1-based): chr20:765,784, T>G on the plus strand (A>C on the coding strand, the complement: SLC52A3 is on the minus strand). VCF-style: chr20-765784-T-G. GRCh37 (hg19) VCF-style: chr20-746428-T-G.
Other names: c.-10A>C (NM_001370085.1, NM_001370086.1).
Identifiers: ClinVar variation 3037414 (VCV003037414.2), dbSNP rs764568577, ClinGen allele CA1014680968.

ClinVar aggregate classification (germline): Likely benign (0 of 4 stars; one submission).

Conditions:
SLC52A3-related disorder. Also called: SLC52A3-related condition.

Submission:

PreventionGenetics, part of Exact Sciences
Classification: Likely benign for SLC52A3-related condition. Last evaluated: 2019-10-31. Review status: no assertion criteria provided. Collection method: clinical testing. Allele origin: germline.
Comment: This variant is classified as likely benign based on ACMG/AMP sequence variant interpretation guidelines (Richards et al. 2015 PMID: 25741868, with internal and published modifications).